The following is an entry in ClinVar:

NM_000492.4(CFTR):c.1450C>T (p.His484Tyr)

Genes: CFTR (CF transmembrane conductance regulator; plus strand), CFTR-AS1 (CFTR antisense RNA 1; minus strand). Cytogenetic location: 7q31.2.
Variant type: single nucleotide variant.
Coding change: c.1450C>T on transcript NM_000492.4 (MANE Select); coding-DNA position 1450, C replaced by T.
Protein change: p.His484Tyr; replaces histidine 484 with tyrosine.
Molecular consequence: missense variant.
Genome position (GRCh38, 1-based): chr7:117,559,521, C>T. VCF-style: chr7-117559521-C-T. GRCh37 (hg19) VCF-style: chr7-117199575-C-T.
Other names: short protein forms H484Y.
Identifiers: ClinVar variation 53257 (VCV000053257.20), dbSNP rs397508210, ClinGen allele CA326489.

ClinVar aggregate classification (germline): Uncertain significance. Review status: criteria provided, multiple submitters, no conflicts (2 of 4 stars). 9 submissions from 9 submitters: Uncertain significance (8). 1 of the submissions does not count toward it. Last evaluated 2025-08-12.

Conditions:
Cystic fibrosis (CF). Also called: MUCOVISCIDOSIS. Identifiers: Orphanet 586, MedGen C0010674, MONDO:0009061, OMIM 219700. Disease mechanism: loss of function.
Hereditary pancreatitis (PCTT). Also called: PRSS1-Related Hereditary Pancreatitis; Hereditary chronic pancreatitis. Identifiers: Orphanet 676, MedGen C0238339, MONDO:0008185, OMIM 167800.

Allele frequency attached by ClinVar (database versions not stated): gnomAD exomes 0.00001 and below 0.00001; gnomAD 0.00003; TOPMed 0.00007.

Submissions (9):

Quest Diagnostics Nichols Institute San Juan Capistrano
Classification: Uncertain significance. Last evaluated: 2025-08-12. Review status: criteria provided, single submitter. Criteria: Quest Diagnostics criteria. Collection method: clinical testing. Allele origin: unknown.
Comment: The CFTR c.1450C>T (p.His484Tyr) variant has been reported in the published literature in individual(s) with congenital absence of the vas deferens (CAVD) (PMIDs: 10875853 (2000) and 35913788 (2022)). The frequency of this variant in the general population (Genome Aggregation Database) is uninformative in the assessment of its pathogenicity. Analysis of this variant using bioinformatics tools for the prediction of the effect of amino acid changes on protein structure and function yielded predictions that this variant is damaging. Based on the available information, we are unable to determine the clinical significance of this variant.

Women's Health and Genetics/Laboratory Corporation of America, LabCorp
Classification: Uncertain significance. Last evaluated: 2025-08-04. Review status: criteria provided, single submitter. Criteria: LabCorp Variant Classification Summary - May 2015. Collection method: clinical testing. Allele origin: germline.
Comment: Variant summary: CFTR c.1450C>T (p.His484Tyr) results in a conservative amino acid change located in the AAA+ ATPase domain (IPR003593) of the encoded protein sequence. Algorithms developed to predict the effect of missense changes on protein structure and function are either unavailable or do not agree on the potential impact of this missense change. The variant allele was found at a frequency of 1.2e-05 in 251326 control chromosomes (gnomAD). The available data on variant occurrences in the general population are insufficient to allow any conclusion about variant significance. c.1450C>T has been observed in an individual affected with Congenital Bilateral Absence of the Vas Deferens without an identified second allele (Casals_2000). This report does not provide unequivocal conclusions about association of the variant with Congenital Bilateral Absence Of The Vas Deferens. To our knowledge, no experimental evidence demonstrating an impact on protein function has been reported. The following publications have been ascertained in the context of this evaluation (PMID: 10875853, 25735457, 18556774, 26277102). ClinVar contains an entry for this variant (Variation ID: 53257). Based on the evidence outlined above, the variant was classified as uncertain significance.

Ambry Genetics
Classification: Uncertain significance for Cystic fibrosis. Last evaluated: 2025-04-03. Review status: criteria provided, single submitter. Criteria: Ambry Variant Classification Scheme 2023. Collection method: clinical testing. Allele origin: germline.
Comment: The p.H484Y variant (also known as c.1450C>T), located in coding exon 11 of the CFTR gene, results from a C to T substitution at nucleotide position 1450. The histidine at codon 484 is replaced by tyrosine, an amino acid with similar properties. This alteration was identified in an individual with congenital absence of the vas deferens (CAVD) (Casals T et al. Hum Reprod, 2000 Jul;15:1476-83). This amino acid position is highly conserved in available vertebrate species. In addition, this alteration is predicted to be deleterious by in silico analysis. Based on the available evidence, the clinical significance of this variant remains unclear.

GeneDx
Classification: Uncertain significance. Last evaluated: 2023-07-03. Review status: criteria provided, single submitter. Criteria: GeneDx Variant Classification Process June 2021. Collection method: clinical testing. Allele origin: germline. Affected: yes.
Comment: In silico analysis supports that this missense variant does not alter protein structure/function; Observed in individuals with congenital absence of the vas deferens (CAVD) in published literature (Casals et al., 2000; Feng et al., 2022); This variant is associated with the following publications: (PMID: 25735457, 35913788, 10875853, 26277102, 18556774)

Labcorp Genetics (formerly Invitae), Labcorp
Classification: Uncertain significance for Cystic fibrosis. Last evaluated: 2022-08-16. Review status: criteria provided, single submitter. Criteria: Invitae Variant Classification Sherloc (09022015). Collection method: clinical testing. Allele origin: germline.
Comment: This sequence change replaces histidine, which is basic and polar, with tyrosine, which is neutral and polar, at codon 484 of the CFTR protein (p.His484Tyr). This variant is present in population databases (rs397508210, gnomAD 0.009%). This missense change has been observed in individual(s) with congenital absence of vas deferens (CAVD), but a second possibly causative variant was not identified (PMID: 10875853). ClinVar contains an entry for this variant (Variation ID: 53257). Algorithms developed to predict the effect of missense changes on protein structure and function (SIFT, PolyPhen-2, Align-GVGD) all suggest that this variant is likely to be tolerated. In summary, the available evidence is currently insufficient to determine the role of this variant in disease. Therefore, it has been classified as a Variant of Uncertain Significance.

Genome-Nilou Lab
Classification: Uncertain significance for Cystic fibrosis. Last evaluated: 2021-09-05. Review status: criteria provided, single submitter. Criteria: ACMG Guidelines, 2015. Collection method: clinical testing. Allele origin: germline. Affected: no.

Center of Genomic medicine, Geneva, University Hospital of Geneva
Classification: Uncertain significance for Hereditary pancreatitis. Last evaluated: 2018-04-27. Review status: criteria provided, single submitter. Criteria: ACMG Guidelines, 2015. Collection method: clinical testing. Allele origin: paternal. Affected: yes.

Eurofins Ntd Llc (ga)
Classification: Uncertain significance. Last evaluated: 2017-05-08. Review status: criteria provided, single submitter. Criteria: EGL Classification Definitions 2015. Collection method: clinical testing. Allele origin: germline. Observed: 1 variant allele, 1 heterozygote.

Natera, Inc.
Classification: Uncertain significance for Cystic Fibrosis. Last evaluated: 2018-08-07. Review status: no assertion criteria provided. Collection method: clinical testing. Allele origin: germline. Not counted in ClinVar's aggregate classification.

Literature cited by the submitters: PubMed 38515211 (cited by Quest Diagnostics Nichols Institute San Juan Capistrano); PubMed 35913788 (cited by Quest Diagnostics Nichols Institute San Juan Capistrano); PubMed 36834620 (cited by Quest Diagnostics Nichols Institute San Juan Capistrano); PubMed 25735457 (cited by Quest Diagnostics Nichols Institute San Juan Capistrano and Women's Health and Genetics/Laboratory Corporation of America, LabCorp); PubMed 26277102 (cited by Quest Diagnostics Nichols Institute San Juan Capistrano and Women's Health and Genetics/Laboratory Corporation of America, LabCorp); PubMed 18556774 (cited by Quest Diagnostics Nichols Institute San Juan Capistrano and Women's Health and Genetics/Laboratory Corporation of America, LabCorp); PubMed 10875853 (cited by 4 submitters).